The following is an entry in ClinVar:

NM_001943.5(DSG2):c.1095G>A (p.Arg365=)

Gene: DSG2 (desmoglein 2; plus strand). Cytogenetic location: 18q12.1.
Variant type: single nucleotide variant.
Coding change: c.1095G>A on transcript NM_001943.5 (MANE Select); coding-DNA position 1095, G replaced by A.
Protein change: p.Arg365=; no amino-acid change (arginine 365 retained).
Molecular consequence: synonymous variant.
Genome position (GRCh38, 1-based): chr18:31,531,067, G>A. VCF-style: chr18-31531067-G-A. GRCh37 (hg19) VCF-style: chr18-29111030-G-A.
Identifiers: ClinVar variation 3075420 (VCV003075420.5), dbSNP rs749191457, ClinGen allele CA503765746.
Genomic context (GRCh38, chr18:31,531,067, plus strand): 5'-GAAGAATCTTGACTTCAGTGTTATTGTCGCTAATAAAGCAGCTTTTCACAAGTCGATTAG[G>A]AGTAAATACAAGCCTACACCCATTCCCATCAAGGTCAAAGTGAAAAATGTGAAAGAAGGC-3'
Protein context (NP_001934.2, residues 355-375): ANKAAFHKSI[Arg365=]SKYKPTPIPI

ClinVar aggregate classification (germline): Likely benign. Review status: criteria provided, multiple submitters, no conflicts (2 of 4 stars). 4 submissions from 4 submitters: Likely benign (4). Last evaluated 2025-04-27.

Conditions:
Arrhythmogenic right ventricular cardiomyopathy (ARVD). Also called: Arrhythmogenic right ventricular dysplasia; Cardiomyopathy, ARVC; Arrhythmogenic cardiomyopathy; Arrhythmogenic Right Ventricular Cardiomyopathy (ARVC). Identifiers: Orphanet 247, MedGen C0349788, MeSH D019571, MONDO:0016587. Disease mechanism: loss of function. Inheritance: Various modes of inheritance.
Cardiovascular phenotype. Identifiers: MedGen CN230736.
Arrhythmogenic right ventricular dysplasia 10. Also called: ARRHYTHMOGENIC RIGHT VENTRICULAR DYSPLASIA, FAMILIAL, 10; Arrhythmogenic Right Ventricular Dysplasia/Cardiomyopathy10; Arrhythmogenic right ventricular dysplasia/cardiomyopathy, type 10. Identifiers: MedGen C1857777, MONDO:0012434, OMIM 610193.
Cardiomyopathy (CMYO). Also called: Cardiomyopathies. Identifiers: Orphanet 167848, MedGen C0878544, MONDO:0004994, HP:0001638. Inheritance: Various modes of inheritance.

gnomAD v4.1: 1 of 1,614,054 alleles (0.000062%); highest among the groups gnomAD compares: Non-Finnish European, 0.000085%; no homozygotes.

Submissions (4):

Labcorp Genetics (formerly Invitae), Labcorp
Classification: Likely benign for Arrhythmogenic right ventricular dysplasia 10. Last evaluated: 2025-04-27. Review status: criteria provided, single submitter. Criteria: Invitae Variant Classification Sherloc (09022015). Collection method: clinical testing. Allele origin: germline.

Ambry Genetics
Classification: Likely benign for Cardiovascular phenotype. Last evaluated: 2024-07-28. Review status: criteria provided, single submitter. Criteria: Ambry Variant Classification Scheme 2023. Collection method: clinical testing. Allele origin: germline.

All of Us Research Program, National Institutes of Health
Classification: Likely benign for Arrhythmogenic right ventricular cardiomyopathy. Last evaluated: 2024-02-05. Review status: criteria provided, single submitter. Criteria: ACMG Guidelines, 2015. Collection method: clinical testing. Allele origin: germline. Inheritance: Autosomal dominant inheritance. Observed: 1 variant allele, 1 heterozygote.
Comment: This study involves interpretation of variants in research participants for the purpose of population health screening. Participant phenotype was not available at the time of variant classification. Additional details can be found in publication PMID: 35346344, PMCID: PMC8962531

Color Diagnostics, LLC DBA Color Health
Classification: Likely benign for Cardiomyopathy. Last evaluated: 2024-01-25. Review status: criteria provided, single submitter. Criteria: ACMG Guidelines, 2015. Collection method: clinical testing. Allele origin: germline.